The following is an entry in ClinVar:

ClinVar aggregate classification (germline): Uncertain significance (1 of 4 stars; one submission).

Conditions:
Progressive myoclonic epilepsy. Also called: Familial progressive myoclonic epilepsy; Myoclonus epilepsy; Progressive myoclonus epilepsy; Myoclonic Epilepsies, Progressive. Identifiers: Orphanet 308, Orphanet 98261, MedGen C0751778, MONDO:0020074.

Submission:

Labcorp Genetics (formerly Invitae), Labcorp
Classification: Uncertain significance for Progressive myoclonic epilepsy. Last evaluated: 2021-09-01. Review status: criteria provided, single submitter. Criteria: Invitae Variant Classification Sherloc (09022015). Collection method: clinical testing. Allele origin: germline.
Comment: This sequence change replaces glutamic acid with glycine at codon 34 of the GOSR2 protein (p.Glu34Gly). The glutamic acid residue is highly conserved and there is a moderate physicochemical difference between glutamic acid and glycine. This variant is not present in population databases (ExAC no frequency). This variant has not been reported in the literature in individuals affected with GOSR2-related conditions. Algorithms developed to predict the effect of missense changes on protein structure and function are either unavailable or do not agree on the potential impact of this missense change (SIFT: "Tolerated"; PolyPhen-2: "Probably Damaging"; Align-GVGD: "Class C0"). In summary, the available evidence is currently insufficient to determine the role of this variant in disease. Therefore, it has been classified as a Variant of Uncertain Significance.

NM_004287.5(GOSR2):c.101A>G (p.Glu34Gly)

Genes: GOSR2 (golgi SNAP receptor complex member 2; plus strand), LRRC37A2 (leucine rich repeat containing 37 member A2), LOC126862578 (BRD4-independent group 4 enhancer GRCh37_chr17:45008344-45009543; plus strand). Cytogenetic location: 17q21.32.
Variant type: single nucleotide variant.
Coding change: c.101A>G on transcript NM_004287.5 (MANE Select); coding-DNA position 101, A replaced by G.
Protein change: p.Glu34Gly; replaces glutamic acid 34 with glycine.
Molecular consequence: missense variant. On other transcripts: non-coding transcript variant (3).
Genome position (GRCh38, 1-based): chr17:46,931,105, A>G. VCF-style: chr17-46931105-A-G. GRCh37 (hg19) VCF-style: chr17-45008471-A-G.
Other names: c.101A>G, p.Glu34Gly (NM_001012511.3, NM_001321133.2, NM_001330252.2 and 1 more transcripts); c.47A>G, p.Glu16Gly (NM_001321134.2, NM_001363851.2); c.98A>G, p.Glu33Gly (NM_001353114.2, NM_001353115.2, NM_001353116.2); short protein forms E33G, E34G, E16G.
Identifiers: ClinVar variation 655905 (VCV000655905.6), dbSNP rs1598980284, ClinGen allele CA400016594.
Genomic context (GRCh38, chr17:46,931,105, plus strand): 5'-ATTTAAGTTCACTATCTCTTTTCCAGCAATTATTCTTTTTTCTTTTTTGTACAGTAGTAG[A>G]AAACGAAATCCAAGCAAGCATAGACCAGATATTCAGCCGTCTAGAACGTCTGGAGATTTT-3'
Protein context (NP_004278.2, residues 24-44): TADKQSVHIV[Glu34Gly]NEIQASIDQI